The following is an entry in ClinVar:

NM_007194.4(CHEK2):c.531del (p.Gly178fs)

Gene: CHEK2 (checkpoint kinase 2; minus strand). Cytogenetic location: 22q12.1.
Variant type: Deletion.
Coding change: c.531del on transcript NM_007194.4 (MANE Select); coding-DNA position 531, one base deleted (A; older notation c.531delA).
Protein change: p.Gly178fs; shifts the reading frame from glycine 178.
Molecular consequence: frameshift variant. On other transcripts: 5 prime UTR variant (2), intron variant (1).
Genome position (GRCh38, 1-based): chr22:28,725,038, T deleted on the plus strand (A on the coding strand, the reverse complement: CHEK2 is on the minus strand); the first of 3 consecutive T bases (chr22:28,725,038-28,725,040); deleting any one gives the same sequence. VCF-style (leftmost placement, unchanged base first): chr22-28725037-CT-C. GRCh37 (hg19) VCF-style: chr22-29121025-CT-C.
Other names: c.660del, p.Gly221fs (NM_001005735.3, NM_001438294.1); c.624del, p.Gly209fs (NM_001438293.1, NM_001438295.1); c.531del, p.Gly178fs (NM_145862.3); c.-133del (NM_001437942.1); c.-247del (NM_001257387.3); c.445-115del (NM_001349956.3); short protein forms G178fs, G221fs, G209fs.
Identifiers: ClinVar variation 2765150 (VCV002765150.3), dbSNP rs2518052126, ClinGen allele CA2697552629.
Genomic context (GRCh38, chr22:28,725,037, plus strand): 5'-CTTTATTTCTGCTTAGTGACAGTGCAATTTCAGAATTGTTATTCAAAGGACGGCGTTTTC[CT>C]TTCCCTACAAGCTCTGTATTTACAAAGGTTCCATTGCCACTGTGATCTTCTATGTATGCA-3'

ClinVar aggregate classification (germline): Pathogenic (1 of 4 stars; one submission).

Conditions:
Familial cancer of breast. Also called: Hereditary breast cancer; BREAST CANCER, FAMILIAL; hereditary breast carcinoma. Identifiers: Orphanet 227535, MedGen C0346153, MONDO:0016419, OMIM 114480. Disease mechanism: loss of function.

Submission:

Labcorp Genetics (formerly Invitae), Labcorp
Classification: Pathogenic for Familial cancer of breast. Last evaluated: 2023-11-20. Review status: criteria provided, single submitter. Criteria: Invitae Variant Classification Sherloc (09022015). Collection method: clinical testing. Allele origin: germline.
Comment: This sequence change creates a premature translational stop signal (p.Gly178Glufs*6) in the CHEK2 gene. It is expected to result in an absent or disrupted protein product. Loss-of-function variants in CHEK2 are known to be pathogenic (PMID: 21876083, 24713400). This variant is not present in population databases (gnomAD no frequency). This variant has not been reported in the literature in individuals affected with CHEK2-related conditions. Algorithms developed to predict the effect of sequence changes on RNA splicing suggest that this variant may disrupt the consensus splice site. For these reasons, this variant has been classified as Pathogenic.

Literature cited by the submitters: PubMed 21876083; PubMed 24713400.